The following is an entry in ClinVar:

NM_003924.4(PHOX2B):c.775_776insGGCGGCAGCGGCAGCGGCGGC (p.Ala259delinsGlyArgGlnArgGlnArgArgPro)

Genes: PHOX2B (paired like homeobox 2B; minus strand), LOC110011216 (paired like homeobox 2b polyalanine repeat instability region; plus strand). Cytogenetic location: 4p13.
Variant type: Insertion.
Coding change: c.775_776insGGCGGCAGCGGCAGCGGCGGC on transcript NM_003924.4 (MANE Select); coding-DNA positions 775 to 776, GGCGGCAGCGGCAGCGGCGGC inserted.
Protein change: p.Ala259delinsGlyArgGlnArgGlnArgArgPro.
Molecular consequence: inframe indel.
Genome position: GRCh38 VCF-style: chr4-41745976-G-GGCCGCCGCTGCCGCTGCCGCC. GRCh37 (hg19) VCF-style: chr4-41747993-G-GGCCGCCGCTGCCGCTGCCGCC.
Identifiers: ClinVar variation 2500070 (VCV002500070.2), dbSNP rs2552096800, ClinGen allele CA2580070998.

ClinVar aggregate classification (germline): Pathogenic (1 of 4 stars; one submission).

Conditions:
Neuroblastoma, susceptibility to, 2. Identifiers: Orphanet 635, MedGen C2751682, MONDO:0700041, OMIM 613013.
Central hypoventilation syndrome, congenital, 1, with or without Hirschsprung disease (CCHS1). Also called: AUTONOMIC CONTROL, CONGENITAL FAILURE OF; ONDINE CURSE, CONGENITAL; Congenital Central Hypoventilation Syndrome (CCHS); CENTRAL HYPOVENTILATION SYNDROME, CONGENITAL, 1; Central hypoventilation syndrome, congenital, 1, with or without Hirschsprung. Identifiers: Orphanet 661, MedGen C5562075, MONDO:0800026, OMIM 209880.

Submission:

Center for Genomics, Ann and Robert H. Lurie Children's Hospital of Chicago
Classification: Pathogenic for Neuroblastoma, susceptibility to, 2; Central hypoventilation syndrome, congenital, 1, with or without Hirschsprung disease. Review status: criteria provided, single submitter. Criteria: ACMG Guidelines, 2015. Collection method: clinical testing. Allele origin: germline.
Comment: PHOX2B NM_003924.3 exon 3 p.Ala254_Ala260dup (c.741_761dup): This variant has been reported in the literature in at least 2 individuals with Congenital Central Hypoventilation Syndrome (CCHS), 1 of whom was identified to carry this variant as de novo (Jones 2012 PMID:23045564, Marics 2013 PMID:23231723, Carroll 2014 PMID:24381123). This variant is not present in large control databases. Evolutionary conservation and computational predictive tools for this variant are limited or unavailable. This variant represents an in-frame duplication of 7 Alanine amino acids at position 254 and is not predicted to alter the reading frame. In vivo functional studies support that this variant has a deleterious impact (Dubreuil 2008 PMID:18198276, Ramanantsoa 2011 PMID:21900566, Jones 2012 PMID:23045564). Wild type repeats of this region (known as the Polyalanine Repeat Expansion (PARMs)) are typically identified as 20 repeats; expansions to 24-33 repeats are known to be pathogenic (Weese-Mayer 2010 PMID:20208042). This variant represents an increase of 7 Alanine repeats for a total of 27 repeats and is within the disease associated range. Therefore, this variant is classified as pathogenic